The following is an entry in ClinVar:

NM_006766.5(KAT6A):c.4847G>C (p.Cys1616Ser)

Gene: KAT6A (lysine acetyltransferase 6A; minus strand). Cytogenetic location: 8p11.21.
Variant type: single nucleotide variant.
Coding change: c.4847G>C on transcript NM_006766.5 (MANE Select); coding-DNA position 4847, G replaced by C.
Protein change: p.Cys1616Ser; replaces cysteine 1616 with serine.
Molecular consequence: missense variant.
Genome position (GRCh38, 1-based): chr8:41,933,373, C>G on the plus strand (G>C on the coding strand, the complement: KAT6A is on the minus strand). VCF-style: chr8-41933373-C-G. GRCh37 (hg19) VCF-style: chr8-41790891-C-G.
Other names: short protein forms C1616S.
Identifiers: ClinVar variation 2577074 (VCV002577074.1), dbSNP rs867158175, ClinGen allele CA371064503.

ClinVar aggregate classification (germline): Uncertain significance (1 of 4 stars; one submission).

Submission:

Women's Health and Genetics/Laboratory Corporation of America, LabCorp
Classification: Uncertain significance. Last evaluated: 2023-07-14. Review status: criteria provided, single submitter. Criteria: LabCorp Variant Classification Summary - May 2015. Collection method: clinical testing. Allele origin: germline.
Comment: Variant summary: KAT6A c.4847G>C (p.Cys1616Ser) results in a non-conservative amino acid change in the encoded protein sequence. Three of five in-silico tools predict a damaging effect of the variant on protein function. The variant was absent in 239798 control chromosomes (gnomAD). The available data on variant occurrences in the general population are insufficient to allow any conclusion about variant significance. To our knowledge, no occurrence of c.4847G>C in individuals affected with Arboleda-Tham Syndrome and no experimental evidence demonstrating its impact on protein function have been reported. No submitters have cited clinical-significance assessments for this variant to ClinVar after 2014. Based on the evidence outlined above, the variant was classified as uncertain significance.